The following is an entry in ClinVar:

ClinVar aggregate classification (germline): Uncertain significance (1 of 4 stars; one submission).

Conditions:
Proline dehydrogenase deficiency (HYRPRO1). Also called: PROLINE OXIDASE DEFICIENCY; Hyperprolinemia type 1. Identifiers: Orphanet 419, MedGen C0268529, MONDO:0009400, OMIM 239500.

Submission:

Labcorp Genetics (formerly Invitae), Labcorp
Classification: Uncertain significance for Proline dehydrogenase deficiency. Last evaluated: 2023-12-22. Review status: criteria provided, single submitter. Criteria: Invitae Variant Classification Sherloc (09022015). Collection method: clinical testing. Allele origin: germline.
Comment: This sequence change replaces proline, which is neutral and non-polar, with leucine, which is neutral and non-polar, at codon 128 of the PRODH protein (p.Pro128Leu). This variant is not present in population databases (gnomAD no frequency). This variant has not been reported in the literature in individuals affected with PRODH-related conditions. ClinVar contains an entry for this variant (Variation ID: 1352018). Advanced modeling of protein sequence and biophysical properties (such as structural, functional, and spatial information, amino acid conservation, physicochemical variation, residue mobility, and thermodynamic stability) performed at Invitae indicates that this missense variant is expected to disrupt PRODH protein function with a positive predictive value of 80%. In summary, the available evidence is currently insufficient to determine the role of this variant in disease. Therefore, it has been classified as a Variant of Uncertain Significance.

NM_016335.6(PRODH):c.383C>T (p.Pro128Leu)

Gene: PRODH (proline dehydrogenase 1; minus strand). Cytogenetic location: 22q11.21.
Variant type: single nucleotide variant.
Coding change: c.383C>T on transcript NM_016335.6 (MANE Select); coding-DNA position 383, C replaced by T.
Protein change: p.Pro128Leu; replaces proline 128 with leucine.
Molecular consequence: missense variant.
Genome position (GRCh38, 1-based): chr22:18,931,089, G>A on the plus strand (C>T on the coding strand, the complement: PRODH is on the minus strand). VCF-style: chr22-18931089-G-A. GRCh37 (hg19) VCF-style: chr22-18918602-G-A.
Other names: c.59C>T, p.Pro20Leu (NM_001195226.2); short protein forms P20L, P128L.
Identifiers: ClinVar variation 1352018 (VCV001352018.6), dbSNP rs2146219914, ClinGen allele CA410651880.